The following is an entry in ClinVar:

ClinVar aggregate classification (germline): Uncertain significance (1 of 4 stars; one submission).

Submission:

Labcorp Genetics (formerly Invitae), Labcorp
Classification: Uncertain significance. Last evaluated: 2024-04-29. Review status: criteria provided, single submitter. Criteria: Invitae Variant Classification Sherloc (09022015). Collection method: clinical testing. Allele origin: germline.
Comment: This sequence change replaces glutamine, which is neutral and polar, with glutamic acid, which is acidic and polar, at codon 875 of the CTNNA1 protein (p.Gln875Glu). This variant is not present in population databases (gnomAD no frequency). This variant has not been reported in the literature in individuals affected with CTNNA1-related conditions. ClinVar contains an entry for this variant (Variation ID: 1460951). Advanced modeling of protein sequence and biophysical properties (such as structural, functional, and spatial information, amino acid conservation, physicochemical variation, residue mobility, and thermodynamic stability) performed at Invitae indicates that this missense variant is not expected to disrupt CTNNA1 protein function with a negative predictive value of 80%. In summary, the available evidence is currently insufficient to determine the role of this variant in disease. Therefore, it has been classified as a Variant of Uncertain Significance.

NM_001903.5(CTNNA1):c.2623C>G (p.Gln875Glu)

Gene: CTNNA1 (catenin alpha 1; plus strand). Cytogenetic location: 5q31.2.
Variant type: single nucleotide variant.
Coding change: c.2623C>G on transcript NM_001903.5 (MANE Select); coding-DNA position 2623, C replaced by G.
Protein change: p.Gln875Glu; replaces glutamine 875 with glutamic acid.
Molecular consequence: missense variant. On other transcripts: 3 prime UTR variant (5).
Genome position (GRCh38, 1-based): chr5:138,933,991, C>G. VCF-style: chr5-138933991-C-G. GRCh37 (hg19) VCF-style: chr5-138269680-C-G.
Other names: c.*168C>G (NM_001290307.3, NM_001324002.1, NM_001324003.1 and 2 more transcripts); c.2314C>G, p.Gln772Glu (NM_001290309.3); c.2254C>G, p.Gln752Glu (NM_001290310.3); c.1513C>G, p.Gln505Glu (NM_001290312.1, NM_001323987.1, NM_001323988.1 and 12 more transcripts); c.2623C>G, p.Gln875Glu (NM_001323982.2, NM_001323983.1, NM_001323984.2); c.2596C>G, p.Gln866Glu (NM_001323985.2); c.2530C>G, p.Gln844Glu (NM_001323986.2); c.1378C>G, p.Gln460Glu (NM_001324001.1); and 3 more; short protein forms Q772E, Q392E, Q505E, Q460E, Q474E, Q752E, Q875E, Q424E.
Identifiers: ClinVar variation 1460951 (VCV001460951.6), dbSNP rs2150359848, ClinGen allele CA361135626.